The following is an entry in ClinVar:

ClinVar aggregate classification (germline): Uncertain significance (1 of 4 stars; one submission).

Allele frequency attached by ClinVar (database versions not stated): gnomAD exomes 0.00002; ExAC 0.00003; gnomAD 0.00001; TOPMed 0.00001.
gnomAD v4.1: 25 of 1,580,526 alleles (0.0016%); highest among the groups gnomAD compares: Non-Finnish European, 0.0021%; no homozygotes.

Submission:

Labcorp Genetics (formerly Invitae), Labcorp
Classification: Uncertain significance. Last evaluated: 2025-05-22. Review status: criteria provided, single submitter. Criteria: Invitae Variant Classification Sherloc (09022015). Collection method: clinical testing. Allele origin: germline.
Comment: This sequence change replaces aspartic acid, which is acidic and polar, with asparagine, which is neutral and polar, at codon 136 of the RNF13 protein (p.Asp136Asn). This variant is present in population databases (rs770685913, gnomAD 0.01%). This variant has not been reported in the literature in individuals affected with RNF13-related conditions. ClinVar contains an entry for this variant (Variation ID: 1376844). Invitae Evidence Modeling of protein sequence and biophysical properties (such as structural, functional, and spatial information, amino acid conservation, physicochemical variation, residue mobility, and thermodynamic stability) indicates that this missense variant is not expected to disrupt RNF13 protein function with a negative predictive value of 80%. In summary, the available evidence is currently insufficient to determine the role of this variant in disease. Therefore, it has been classified as a Variant of Uncertain Significance.

NM_183381.3(RNF13):c.406G>A (p.Asp136Asn)

Gene: RNF13 (ring finger protein 13; plus strand). Cytogenetic location: 3q25.1.
Variant type: single nucleotide variant.
Coding change: c.406G>A on transcript NM_183381.3 (MANE Select); coding-DNA position 406, G replaced by A.
Protein change: p.Asp136Asn; replaces aspartic acid 136 with asparagine.
Molecular consequence: missense variant. On other transcripts: synonymous variant (5), non-coding transcript variant (1).
Genome position (GRCh38, 1-based): chr3:149,895,557, G>A. VCF-style: chr3-149895557-G-A. GRCh37 (hg19) VCF-style: chr3-149613344-G-A.
Other names: c.406G>A, p.Asp136Asn (NM_001378285.1, NM_001378286.1, NM_007282.4); c.39G>A, p.Thr13= (NM_001378287.1, NM_001378288.1, NM_001378289.1 and 2 more transcripts); c.13G>A, p.Asp5Asn (NM_001378291.1); short protein forms D136N, D5N.
Identifiers: ClinVar variation 1376844 (VCV001376844.6), dbSNP rs770685913, ClinGen allele CA2662981.